The following is an entry in ClinVar:

ClinVar aggregate classification (germline): Uncertain significance. Review status: criteria provided, multiple submitters, no conflicts (2 of 4 stars). 4 submissions from 4 submitters: Uncertain significance (4). Last evaluated 2026-04-29.

Conditions:
Inborn genetic diseases. Identifiers: MedGen C0950123, MeSH D030342.
Autosomal dominant nonsyndromic hearing loss 17. Also called: Autosomal dominant nonsyndromic deafness 17; Deafness, autosomal dominant 17. Identifiers: Orphanet 90635, MedGen C1863659, MONDO:0011350, OMIM 603622.
Macrothrombocytopenia and granulocyte inclusions with or without nephritis or sensorineural hearing loss (MATINS). Also called: MYH9-Related Disease (MYH9-RD); MAY-HEGGLIN ANOMALY; DOHLE LEUKOCYTE INCLUSIONS WITH GIANT PLATELETS; SEBASTIAN PLATELET SYNDROME; MACROTHROMBOCYTOPENIA WITH DISPERSED LEUKOCYTIC INCLUSIONS; MACROTHROMBOCYTOPENIA, NEPHRITIS, AND DEAFNESS. Identifiers: Orphanet 182050, MedGen C5200934, MONDO:0015912, OMIM 155100.
MYH9-related disorder. Identifiers: MedGen C1854520.

Allele frequency attached by ClinVar (database versions not stated): TOPMed 0.00002; gnomAD exomes 0.00001.
gnomAD v4.1: 5 of 1,611,796 alleles (0.00031%); highest among the groups gnomAD compares: Admixed American, 0.0083%; no homozygotes.

Submissions (4):

PreventionGenetics, part of Exact Sciences
Classification: Uncertain significance for MYH9-related condition. Last evaluated: 2026-04-29. Review status: criteria provided, single submitter. Criteria: ACMG Guidelines, 2015. Collection method: clinical testing. Allele origin: germline.
Comment: The MYH9 c.1844T>C variant is predicted to result in the amino acid substitution p.Val615Ala. To our knowledge, this variant has not been reported in the literature. This variant is reported in 0.012% of alleles in individuals of Latino descent in gnomAD. At this time, the clinical significance of this variant is uncertain due to the absence of conclusive functional and genetic evidence.

Labcorp Genetics (formerly Invitae), Labcorp
Classification: Uncertain significance. Last evaluated: 2025-06-06. Review status: criteria provided, single submitter. Criteria: Invitae Variant Classification Sherloc (09022015). Collection method: clinical testing. Allele origin: germline.
Comment: This sequence change replaces valine, which is neutral and non-polar, with alanine, which is neutral and non-polar, at codon 615 of the MYH9 protein (p.Val615Ala). This variant is present in population databases (no rsID available, gnomAD 0.01%). This variant has not been reported in the literature in individuals affected with MYH9-related conditions. ClinVar contains an entry for this variant (Variation ID: 2754023). An algorithm developed to predict the effect of missense changes on protein structure and function (PolyPhen-2) suggests that this variant is likely to be tolerated. In summary, the available evidence is currently insufficient to determine the role of this variant in disease. Therefore, it has been classified as a Variant of Uncertain Significance.

Fulgent Genetics
Classification: Uncertain significance for Macrothrombocytopenia and granulocyte inclusions with or without nephritis or sensorineural hearing loss; Autosomal dominant nonsyndromic hearing loss 17. Last evaluated: 2024-04-09. Review status: criteria provided, single submitter. Criteria: ACMG Guidelines, 2015. Collection method: clinical testing. Allele origin: germline.

Ambry Genetics
Classification: Uncertain significance for Inborn genetic diseases. Last evaluated: 2024-01-23. Review status: criteria provided, single submitter. Criteria: Ambry Variant Classification Scheme 2023. Collection method: clinical testing. Allele origin: germline.

NM_002473.6(MYH9):c.1844T>C (p.Val615Ala)

Gene: MYH9 (myosin heavy chain 9; minus strand). Cytogenetic location: 22q12.3.
Variant type: single nucleotide variant.
Coding change: c.1844T>C on transcript NM_002473.6 (MANE Select); coding-DNA position 1844, T replaced by C.
Protein change: p.Val615Ala; replaces valine 615 with alanine.
Molecular consequence: missense variant.
Genome position (GRCh38, 1-based): chr22:36,306,607, A>G on the plus strand (T>C on the coding strand, the complement: MYH9 is on the minus strand). VCF-style: chr22-36306607-A-G. GRCh37 (hg19) VCF-style: chr22-36702653-A-G.
Other names: c.1844T>C (NM_002473.4); short protein forms V615A.
Identifiers: ClinVar variation 2754023 (VCV002754023.6), dbSNP rs1212140955, ClinGen allele CA411398121.